The following is an entry in ClinVar:

NM_001035.3(RYR2):c.4189T>G (p.Tyr1397Asp)

Gene: RYR2 (ryanodine receptor 2; plus strand). Cytogenetic location: 1q43.
Variant type: single nucleotide variant.
Coding change: c.4189T>G on transcript NM_001035.3 (MANE Select); coding-DNA position 4189, T replaced by G.
Protein change: p.Tyr1397Asp; replaces tyrosine 1397 with aspartic acid.
Molecular consequence: missense variant.
Genome position (GRCh38, 1-based): chr1:237,591,767, T>G. VCF-style: chr1-237591767-T-G. GRCh37 (hg19) VCF-style: chr1-237755067-T-G.
Other names: short protein forms Y1397D.
Identifiers: ClinVar variation 4825545 (VCV004825545.1).

ClinVar aggregate classification (germline): Uncertain significance (1 of 4 stars; one submission).

Conditions:
Cardiovascular phenotype. Identifiers: MedGen CN230736.

Submission:

Ambry Genetics
Classification: Uncertain significance for Cardiovascular phenotype. Last evaluated: 2026-02-13. Review status: criteria provided, single submitter. Criteria: Ambry Variant Classification Scheme 2023. Collection method: clinical testing. Allele origin: germline.
Comment: The p.Y1397D variant (also known as c.4189T>G), located in coding exon 32 of the RYR2 gene, results from a T to G substitution at nucleotide position 4189. The tyrosine at codon 1397 is replaced by aspartic acid, an amino acid with highly dissimilar properties. This amino acid position is conserved. In addition, the in silico prediction for this alteration is inconclusive. Based on the available evidence, the clinical significance of this variant remains unclear.